The following is an entry in ClinVar:

NM_000548.5(TSC2):c.5218T>G (p.Trp1740Gly)

Gene: TSC2 (TSC complex subunit 2; plus strand). Cytogenetic location: 16p13.3.
Variant type: single nucleotide variant.
Coding change: c.5218T>G on transcript NM_000548.5 (MANE Select); coding-DNA position 5218, T replaced by G.
Protein change: p.Trp1740Gly; replaces tryptophan 1740 with glycine.
Molecular consequence: missense variant. On other transcripts: non-coding transcript variant (5).
Genome position (GRCh38, 1-based): chr16:2,088,284, T>G. VCF-style: chr16-2088284-T-G. GRCh37 (hg19) VCF-style: chr16-2138285-T-G.
Other names: c.5002T>G, p.Trp1668Gly (NM_001406675.1); c.4999T>G, p.Trp1667Gly (NM_001406676.1); c.4960T>G, p.Trp1654Gly (NM_001406677.1); c.4906T>G, p.Trp1636Gly (NM_001406678.1); c.4870T>G, p.Trp1624Gly (NM_001406679.1); c.4618T>G, p.Trp1540Gly (NM_001406680.1); c.4558T>G, p.Trp1520Gly (NM_001406681.1); c.4549T>G, p.Trp1517Gly (NM_001406682.1, NM_001406683.1); and 27 more; short protein forms W1225G, W1474G, W1496G, W1520G, W1636G, W1667G, W1670G, W1674G.
Identifiers: ClinVar variation 5031381 (VCV005031381.1).
Genomic context (GRCh38, chr16:2,088,284, plus strand): 5'-CAGATGGCCTCACAGGTGCATCATAGCCGCTCCAACCCCACCGATATCTACCCCTCCAAG[T>G]GGATTGCCCGGCTCCGCCACATCAAGCGGCTCCGCCAGCGGGTAGGGAATATGGGGCTCC-3'
Protein context (NP_000539.2, residues 1730-1750): SNPTDIYPSK[Trp1740Gly]IARLRHIKRL

ClinVar aggregate classification (germline): Uncertain significance (1 of 4 stars; one submission).

Conditions:
Hereditary cancer-predisposing syndrome. Also called: Neoplastic Syndromes, Hereditary; Tumor predisposition; Hereditary neoplastic syndrome; Hereditary Cancer Syndrome. Identifiers: Orphanet 140162, MedGen C0027672, MeSH D009386, MONDO:0015356.

Submission:

Ambry Genetics
Classification: Uncertain significance for Hereditary cancer-predisposing syndrome. Last evaluated: 2026-08-11. Review status: criteria provided, single submitter. Criteria: Ambry Variant Classification Scheme 2023. Collection method: clinical testing. Allele origin: germline.
Comment: The p.W1740G variant (also known as c.5218T>G), located in coding exon 40 of the TSC2 gene, results from a T to G substitution at nucleotide position 5218. The tryptophan at codon 1740 is replaced by glycine, an amino acid with highly dissimilar properties. This amino acid position is conserved. In addition, this alteration is predicted to be deleterious by in silico analysis. Based on the available evidence, the clinical significance of this variant remains unclear.